The following is an entry in ClinVar:

NM_006005.3(WFS1):c.873C>T (p.Tyr291=)

Gene: WFS1 (wolframin ER transmembrane glycoprotein; plus strand). Cytogenetic location: 4p16.1.
Variant type: single nucleotide variant.
Coding change: c.873C>T on transcript NM_006005.3 (MANE Select); coding-DNA position 873, C replaced by T.
Protein change: p.Tyr291=; no amino-acid change (tyrosine 291 retained).
Molecular consequence: synonymous variant.
Genome position (GRCh38, 1-based): chr4:6,300,668, C>T. VCF-style: chr4-6300668-C-T. GRCh37 (hg19) VCF-style: chr4-6302395-C-T.
Other names: c.873C>T, p.Tyr291= (NM_001145853.1).
Identifiers: ClinVar variation 1810360 (VCV001810360.7), dbSNP rs777580652, ClinGen allele CA2839133.

ClinVar aggregate classification (germline): Conflicting classifications of pathogenicity. Review status: criteria provided, conflicting classifications (1 of 4 stars). 3 submissions from 3 submitters: Likely pathogenic (1); Likely benign (2). Last evaluated 2026-09-01.

Conditions:
Wolfram syndrome 1 (WFS1). Identifiers: Orphanet 3463, MedGen C4551693, MONDO:0009101, OMIM 222300.

Allele frequency attached by ClinVar (database versions not stated): ExAC 0.00001.
gnomAD v4.1: 17 of 1,613,976 alleles (0.0011%); highest among the groups gnomAD compares: Admixed American, 0.0017%; no homozygotes.

Submissions (3):

CeGaT Center for Human Genetics Tuebingen
Classification: Likely benign. Last evaluated: 2026-09-01. Review status: criteria provided, single submitter. Criteria: CeGaT Center For Human Genetics Tuebingen Variant Classification Criteria Version 2. Collection method: clinical testing. Allele origin: germline. Affected: yes. Observed: 1 variant allele.
Comment: WFS1: BP4, BP7

Labcorp Genetics (formerly Invitae), Labcorp
Classification: Likely benign. Last evaluated: 2024-04-10. Review status: criteria provided, single submitter. Criteria: Invitae Variant Classification Sherloc (09022015). Collection method: clinical testing. Allele origin: germline.

Clinical Genomics, Uppaluri K&H Personalized Medicine Clinic
Classification: Likely pathogenic for Wolfram syndrome 1. Review status: criteria provided, single submitter. Criteria: K & H Uppaluri Personalized Medicine Clinic Variant Classification & Assertion Criteria_Updated V.1. Collection method: research. Allele origin: unknown. Inheritance: Autosomal recessive inheritance.
Comment: Potent mutations in WFS1 gene are associated with Wolfram's syndrome, an autosomal recessive condition, which cause diabetes mellitus, diabetes insipidus, deafness and optic atrophy. However no sufficient evidence is found to ascertain the role of this particular variant rs777580652 in Wolfram's syndrome yet.

Literature cited by the submitters: PubMed 20738327 (cited by Clinical Genomics, Uppaluri K&H Personalized Medicine Clinic); PubMed 33879153 (cited by Clinical Genomics, Uppaluri K&H Personalized Medicine Clinic); PubMed 12955714 (cited by Clinical Genomics, Uppaluri K&H Personalized Medicine Clinic); PubMed 18060660 (cited by Clinical Genomics, Uppaluri K&H Personalized Medicine Clinic); PubMed 20301750 (cited by Clinical Genomics, Uppaluri K&H Personalized Medicine Clinic); PubMed 17603484 (cited by Clinical Genomics, Uppaluri K&H Personalized Medicine Clinic).